The following is an entry in ClinVar:

ClinVar aggregate classification (germline): Pathogenic/Likely pathogenic. Review status: criteria provided, multiple submitters, no conflicts (2 of 4 stars). 2 submissions from 2 submitters: Pathogenic (1); Likely pathogenic (1). Last evaluated 2024-10-26.

Conditions:
VPS13B-related disorder. Also called: VPS13B-related condition.
Cohen syndrome (COH1). Also called: PEPPER SYNDROME; Cutis verticis gyrata, retinitis pigmentosa, and sensorineural deafness. Identifiers: Orphanet 193, MedGen C0265223, MONDO:0008999, OMIM 216550.

Submissions (2):

Labcorp Genetics (formerly Invitae), Labcorp
Classification: Pathogenic for Cohen syndrome. Last evaluated: 2024-10-26. Review status: criteria provided, single submitter. Criteria: Invitae Variant Classification Sherloc (09022015). Collection method: clinical testing. Allele origin: germline.
Comment: This sequence change creates a premature translational stop signal (p.Tyr1104Leufs*23) in the VPS13B gene. It is expected to result in an absent or disrupted protein product. Loss-of-function variants in VPS13B are known to be pathogenic (PMID: 15141358, 16648375, 20461111). This variant is not present in population databases (gnomAD no frequency). This variant has not been reported in the literature in individuals affected with VPS13B-related conditions. ClinVar contains an entry for this variant (Variation ID: 2066830). For these reasons, this variant has been classified as Pathogenic.

Blueprint Genetics
Classification: Likely pathogenic for VPS13B-related disorders. Last evaluated: 2020-02-12. Review status: criteria provided, single submitter. Criteria: ACMG Guidelines, 2015. Collection method: clinical testing. Allele origin: germline. Affected: yes. Observed: 1 variant allele.

Literature cited by the submitters: PubMed 15141358 (cited by Labcorp Genetics (formerly Invitae), Labcorp); PubMed 16648375 (cited by Labcorp Genetics (formerly Invitae), Labcorp); PubMed 20461111 (cited by Labcorp Genetics (formerly Invitae), Labcorp).

NM_152564.5(VPS13B):c.3307_3310dup (p.Tyr1104fs)

Gene: VPS13B (vacuolar protein sorting 13 homolog B; plus strand). Cytogenetic location: 8q22.2.
Variant type: Duplication.
Coding change: c.3307_3310dup on transcript NM_152564.5 (MANE Select); coding-DNA positions 3307 to 3310, 4 bases duplicated (TGGT; older notation c.3307_3310dupTGGT).
Protein change: p.Tyr1104fs; shifts the reading frame from tyrosine 1104.
Molecular consequence: frameshift variant.
Genome position (GRCh38, 1-based): chr8:99,442,497-99,442,500, TGGT duplicated; duplicating any 4 consecutive bases within chr8:99,442,495-99,442,500 gives the same sequence; the c. name uses the placement nearest the transcript's 3' end. VCF-style (leftmost placement, unchanged base first): chr8-99442494-A-AGTTG. GRCh37 (hg19) VCF-style: chr8-100454722-A-AGTTG.
Other names: c.3307_3310dup, p.Tyr1104fs (NM_017890.5); short protein forms Y1104fs.
Identifiers: ClinVar variation 2066830 (VCV002066830.5), dbSNP rs2490162265, ClinGen allele CA2580079119.